The following is an entry in ClinVar:

NM_001807.6(CEL):c.1379A>G (p.Gln460Arg)

Gene: CEL (carboxyl ester lipase; plus strand). Cytogenetic location: 9q34.13.
Variant type: single nucleotide variant.
Coding change: c.1379A>G on transcript NM_001807.6 (MANE Select); coding-DNA position 1379, A replaced by G.
Protein change: p.Gln460Arg; replaces glutamine 460 with arginine.
Molecular consequence: missense variant.
Genome position (GRCh38, 1-based): chr9:133,070,553, A>G. VCF-style: chr9-133070553-A-G. GRCh37 (hg19) VCF-style: chr9-135945940-A-G.
Other names: short protein forms Q460R.
Identifiers: ClinVar variation 2570398 (VCV002570398.3), dbSNP rs775977271, ClinGen allele CA5303342.

ClinVar aggregate classification (germline): Uncertain significance. Review status: criteria provided, multiple submitters, no conflicts (2 of 4 stars). 2 submissions from 2 submitters: Uncertain significance (2). Last evaluated 2024-06-25.

Conditions:
Inborn genetic diseases. Identifiers: MedGen C0950123, MeSH D030342.

Allele frequency attached by ClinVar (database versions not stated): gnomAD exomes 0.00001; ExAC 0.00002; TOPMed 0.00002; gnomAD 0.00003.
gnomAD v4.1: 24 of 1,613,962 alleles (0.0015%); highest among the groups gnomAD compares: Non-Finnish European, 0.0019%; no homozygotes.

Submissions (2):

GeneDx
Classification: Uncertain significance. Last evaluated: 2024-06-25. Review status: criteria provided, single submitter. Criteria: GeneDx Variant Classification Process June 2021. Collection method: clinical testing. Allele origin: germline. Affected: yes.
Comment: In silico analysis indicates that this missense variant does not alter protein structure/function; Has not been previously published as pathogenic or benign to our knowledge; In silico analysis suggests this variant may impact gene splicing. In the absence of RNA/functional studies, the actual effect of this sequence change is unknown.

Ambry Genetics
Classification: Uncertain significance for Inborn genetic diseases. Last evaluated: 2023-05-01. Review status: criteria provided, single submitter. Criteria: Ambry Variant Classification Scheme 2023. Collection method: clinical testing. Allele origin: germline.